The following is an entry in ClinVar:

ClinVar aggregate classification (germline): Uncertain significance (1 of 4 stars; one submission).

gnomAD v4.1: 3 of 1,613,712 alleles (0.00019%); highest among the groups gnomAD compares: Non-Finnish European, 0.00025%; no homozygotes.

Submission:

Labcorp Genetics (formerly Invitae), Labcorp
Classification: Uncertain significance. Last evaluated: 2024-03-02. Review status: criteria provided, single submitter. Criteria: Invitae Variant Classification Sherloc (09022015). Collection method: clinical testing. Allele origin: germline.
Comment: This sequence change replaces aspartic acid, which is acidic and polar, with valine, which is neutral and non-polar, at codon 200 of the CTNNA1 protein (p.Asp200Val). This variant is not present in population databases (gnomAD no frequency). This variant has not been reported in the literature in individuals affected with CTNNA1-related conditions. Advanced modeling of protein sequence and biophysical properties (such as structural, functional, and spatial information, amino acid conservation, physicochemical variation, residue mobility, and thermodynamic stability) performed at Invitae indicates that this missense variant is expected to disrupt CTNNA1 protein function with a positive predictive value of 80%. In summary, the available evidence is currently insufficient to determine the role of this variant in disease. Therefore, it has been classified as a Variant of Uncertain Significance.

NM_001903.5(CTNNA1):c.599A>T (p.Asp200Val)

Gene: CTNNA1 (catenin alpha 1; plus strand). Cytogenetic location: 5q31.2.
Variant type: single nucleotide variant.
Coding change: c.599A>T on transcript NM_001903.5 (MANE Select); coding-DNA position 599, A replaced by T.
Protein change: p.Asp200Val; replaces aspartic acid 200 with valine.
Molecular consequence: missense variant.
Genome position (GRCh38, 1-based): chr5:138,824,540, A>T. VCF-style: chr5-138824540-A-T. GRCh37 (hg19) VCF-style: chr5-138160229-A-T.
Other names: c.599A>T, p.Asp200Val (NM_001323983.1, NM_001323984.2, NM_001323985.2 and 3 more transcripts); c.290A>T, p.Asp97Val (NM_001290309.3); c.230A>T, p.Asp77Val (NM_001290310.3); short protein forms D200V, D97V, D77V.
Identifiers: ClinVar variation 3693489 (VCV003693489.2).
Genomic context (GRCh38, chr5:138,824,540, plus strand): 5'-AAAGCCCATATAAAGAGTGCTCCAATTTCTTGTTTTATTTACTCTTGTAGGAATTGAAAG[A>T]TGTTGGCCATCGTGATCAGATGGCTGCAGCTAGAGGAATCCTGCAGAAGAACGTTCCGAT-3'
Protein context (NP_001894.2, residues 190-210): MAAKRQQELK[Asp200Val]VGHRDQMAAA